The following is an entry in ClinVar:

ClinVar aggregate classification (germline): Uncertain significance. Review status: criteria provided, multiple submitters, no conflicts (2 of 4 stars). 3 submissions from 3 submitters: Uncertain significance (3). Last evaluated 2026-08-05.

Conditions:
DST-related disorder. Also called: DST-related condition; DST-related disorders.
Hereditary sensory and autonomic neuropathy type 6. Also called: Neuropathy, hereditary sensory and autonomic, type VI; HSAN VI. Identifiers: Orphanet 314381, MedGen C3539003, MONDO:0013839, OMIM 614653.
Epidermolysis bullosa simplex 3, localized or generalized intermediate, with BP230 deficiency (EBS3). Also called: Epidermolysis bullosa simplex, autosomal recessive 2; Epidermolysis bullosa simplex due to BP230 deficiency. Identifiers: Orphanet 412181, MedGen C3809470, MONDO:0014180, OMIM 615425.

Allele frequency attached by ClinVar (database versions not stated): gnomAD 0.00001; gnomAD exomes 0.00001; TOPMed 0.00001; ExAC 0.00002.
gnomAD v4.1: 18 of 1,614,026 alleles (0.0011%); highest among the groups gnomAD compares: Non-Finnish European, 0.0014%; no homozygotes.

Submissions (3):

PreventionGenetics, part of Exact Sciences
Classification: Uncertain significance for DST-related condition. Last evaluated: 2026-08-05. Review status: criteria provided, single submitter. Criteria: ACMG Guidelines, 2015. Collection method: clinical testing. Allele origin: germline.
Comment: The DST c.7219A>G variant is predicted to result in the amino acid substitution p.Ile2407Val. To our knowledge, this variant has not been reported in the literature. This variant is reported in 0.0033% of alleles in individuals of South Asian descent in gnomAD. At this time, the clinical significance of this variant is uncertain due to the absence of conclusive functional and genetic evidence.

Labcorp Genetics (formerly Invitae), Labcorp
Classification: Uncertain significance for Epidermolysis bullosa simplex 3, localized or generalized intermediate, with BP230 deficiency; Hereditary sensory and autonomic neuropathy type 6. Last evaluated: 2021-09-01. Review status: criteria provided, single submitter. Criteria: Invitae Variant Classification Sherloc (09022015). Collection method: clinical testing. Allele origin: germline.
Comment: This sequence change replaces isoleucine with valine at codon 2407 of the DST protein (p.Ile2407Val). The isoleucine residue is weakly conserved and there is a small physicochemical difference between isoleucine and valine. This variant is present in population databases (rs763849253, ExAC 0.003%). This variant has not been reported in the literature in individuals affected with DST-related conditions. Algorithms developed to predict the effect of missense changes on protein structure and function (SIFT, PolyPhen-2, Align-GVGD) all suggest that this variant is likely to be tolerated. In summary, the available evidence is currently insufficient to determine the role of this variant in disease. Therefore, it has been classified as a Variant of Uncertain Significance.

Mayo Clinic Laboratories, Mayo Clinic
Classification: Uncertain significance. Last evaluated: 2020-11-20. Review status: criteria provided, single submitter. Criteria: ACMG Guidelines, 2015. Collection method: clinical testing. Allele origin: germline. Observed: 1 variant allele.

NM_001723.7(DST):c.7219A>G (p.Ile2407Val)

Gene: DST (dystonin; minus strand). Cytogenetic location: 6p12.1.
Variant type: single nucleotide variant.
Coding change: c.7219A>G on transcript NM_001723.7 (MANE Plus Clinical); coding-DNA position 7219, A replaced by G.
Protein change: p.Ile2407Val; replaces isoleucine 2407 with valine.
Molecular consequence: missense variant. On other transcripts: intron variant (10).
Genome position (GRCh38, 1-based): chr6:56,616,248, T>C on the plus strand (A>G on the coding strand, the complement: DST is on the minus strand). VCF-style: chr6-56616248-T-C. GRCh37 (hg19) VCF-style: chr6-56481046-T-C.
Other names: c.3319-1764A>G (NM_015548.5); c.4831-1764A>G (NM_001144769.5); c.4930-1764A>G (NM_001374722.1, NM_001374736.1); c.4957-1764A>G (NM_001374734.1); c.4417-1764A>G (NM_001144770.2); c.4297-1764A>G (NM_001374730.1, NM_001386100.1, NM_183380.4 and 1 more transcripts); short protein forms I2407V.
Identifiers: ClinVar variation 1002647 (VCV001002647.11), dbSNP rs763849253, ClinGen allele CA3870006.